The following is an entry in ClinVar:

NM_152564.5(VPS13B):c.5285G>A (p.Arg1762His)

Gene: VPS13B (vacuolar protein sorting 13 homolog B; plus strand). Cytogenetic location: 8q22.2.
Variant type: single nucleotide variant.
Coding change: c.5285G>A on transcript NM_152564.5 (MANE Select); coding-DNA position 5285, G replaced by A.
Protein change: p.Arg1762His; replaces arginine 1762 with histidine.
Molecular consequence: missense variant.
Genome position (GRCh38, 1-based): chr8:99,641,875, G>A. VCF-style: chr8-99641875-G-A. GRCh37 (hg19) VCF-style: chr8-100654103-G-A.
Other names: c.5360G>A, p.Arg1787His (NM_017890.5); c.5360G>A (NM_017890.3); short protein forms R1762H, R1787H.
Identifiers: ClinVar variation 130726 (VCV000130726.17), dbSNP rs587780498, ClinGen allele CA231639.
Genomic context (GRCh38, chr8:99,641,875, plus strand): 5'-CTAAACAAGAACAGAAAAAAGTGGATATATTTGATGGAGGCATGGCTGAAACCTCATCTC[G>A]CTACAGTGGTGCTCAGGATAGTGGAATTGGCAGTGACAGTGTTAAAATCAGAATAGTGCA-3'
Protein context (NP_689777.3, residues 1752-1772): FDGGMAETSS[Arg1762His]YSGAQDSGIG

ClinVar aggregate classification (germline): Uncertain significance. Review status: criteria provided, multiple submitters, no conflicts (2 of 4 stars). 7 submissions from 7 submitters: Uncertain significance (6). 1 of the submissions does not count toward it. Last evaluated 2024-06-16.

Conditions:
Inborn genetic diseases. Identifiers: MedGen C0950123, MeSH D030342.
Cohen syndrome (COH1). Also called: Cutis verticis gyrata, retinitis pigmentosa, and sensorineural deafness; PEPPER SYNDROME. Identifiers: Orphanet 193, MedGen C0265223, MONDO:0008999, OMIM 216550.

Allele frequency attached by ClinVar (database versions not stated): ExAC 0.00002; gnomAD exomes 0.00002; TOPMed 0.00006; gnomAD 0.00009 and 0.00010.
gnomAD v4.1: 54 of 1,613,848 alleles (0.0033%); highest among the groups gnomAD compares: East Asian, 0.011%; no homozygotes.

Submissions (7):

Fulgent Genetics
Classification: Uncertain significance for Cohen syndrome. Last evaluated: 2024-06-16. Review status: criteria provided, single submitter. Criteria: ACMG Guidelines, 2015. Collection method: clinical testing. Allele origin: germline.

Ambry Genetics
Classification: Uncertain significance for Inborn genetic diseases. Last evaluated: 2023-12-19. Review status: criteria provided, single submitter. Criteria: Ambry Variant Classification Scheme 2023. Collection method: clinical testing. Allele origin: germline.

Labcorp Genetics (formerly Invitae), Labcorp
Classification: Uncertain significance for Cohen syndrome. Last evaluated: 2022-03-28. Review status: criteria provided, single submitter. Criteria: Invitae Variant Classification Sherloc (09022015). Collection method: clinical testing. Allele origin: germline.
Comment: This sequence change replaces arginine, which is basic and polar, with histidine, which is basic and polar, at codon 1787 of the VPS13B protein (p.Arg1787His). This variant is present in population databases (rs587780498, gnomAD 0.006%). This variant has not been reported in the literature in individuals affected with VPS13B-related conditions. ClinVar contains an entry for this variant (Variation ID: 130726). Algorithms developed to predict the effect of missense changes on protein structure and function are either unavailable or do not agree on the potential impact of this missense change (SIFT: "Not Available"; PolyPhen-2: "Probably Damaging"; Align-GVGD: "Not Available"). In summary, the available evidence is currently insufficient to determine the role of this variant in disease. Therefore, it has been classified as a Variant of Uncertain Significance.

Baylor Genetics
Classification: Uncertain significance for Cohen syndrome. Last evaluated: 2018-08-30. Review status: criteria provided, single submitter. Criteria: ACMG Guidelines, 2015. Collection method: clinical testing. Allele origin: maternal. Affected: yes.
Comment: This variant was determined to be of uncertain significance according to ACMG Guidelines, 2015 [PMID:25741868].

Eurofins Ntd Llc (ga)
Classification: Uncertain significance. Last evaluated: 2014-10-14. Review status: criteria provided, single submitter. Criteria: EGL Classification Definitions 2015. Collection method: clinical testing. Allele origin: germline. Observed: 1 variant allele, 1 heterozygote.

Genetic Services Laboratory, University of Chicago
Classification: Uncertain significance. Last evaluated: 2014-03-18. Review status: criteria provided, single submitter. Criteria: ACMG Guidelines, 2007. Collection method: clinical testing. Allele origin: germline. Inheritance: Autosomal recessive inheritance.

Natera, Inc.
Classification: Uncertain significance for Cohen syndrome. Last evaluated: 2020-02-04. Review status: no assertion criteria provided. Collection method: clinical testing. Allele origin: germline. Not counted in ClinVar's aggregate classification.